The following is an entry in ClinVar:

NM_005148.4(UNC119):c.380G>A (p.Arg127His)

Gene: UNC119 (unc-119 lipid binding chaperone; minus strand). Cytogenetic location: 17q11.2.
Variant type: single nucleotide variant.
Coding change: c.380G>A on transcript NM_005148.4 (MANE Select); coding-DNA position 380, G replaced by A.
Protein change: p.Arg127His; replaces arginine 127 with histidine.
Molecular consequence: missense variant.
Genome position (GRCh38, 1-based): chr17:28,548,056, C>T on the plus strand (G>A on the coding strand, the complement: UNC119 is on the minus strand). VCF-style: chr17-28548056-C-T. GRCh37 (hg19) VCF-style: chr17-26875074-C-T.
Other names: c.380G>A (NM_005148.3); c.95G>A, p.Arg32His (NM_001330166.2); c.380G>A, p.Arg127His (NM_054035.2); short protein forms R127H, R32H.
Identifiers: ClinVar variation 1001482 (VCV001001482.6), dbSNP rs1449809472, ClinGen allele CA398331533.

ClinVar aggregate classification (germline): Uncertain significance. Review status: criteria provided, multiple submitters, no conflicts (2 of 4 stars). 2 submissions from 2 submitters: Uncertain significance (2). Last evaluated 2025-01-27.

Allele frequency attached by ClinVar (database versions not stated): gnomAD exomes below 0.00001 and 0.00001; TOPMed below 0.00001; gnomAD 0.00001.
gnomAD v4.1: 11 of 1,613,736 alleles (0.00068%); highest among the groups gnomAD compares: South Asian, 0.0033%; no homozygotes.

Submissions (2):

Labcorp Genetics (formerly Invitae), Labcorp
Classification: Uncertain significance. Last evaluated: 2025-01-27. Review status: criteria provided, single submitter. Criteria: Invitae Variant Classification Sherloc (09022015). Collection method: clinical testing. Allele origin: germline.
Comment: This sequence change replaces arginine, which is basic and polar, with histidine, which is basic and polar, at codon 127 of the UNC119 protein (p.Arg127His). The frequency data for this variant in the population databases is considered unreliable, as metrics indicate poor data quality at this position in the gnomAD database. This variant has not been reported in the literature in individuals affected with UNC119-related conditions. ClinVar contains an entry for this variant (Variation ID: 1001482). An algorithm developed to predict the effect of missense changes on protein structure and function (PolyPhen-2) suggests that this variant is likely to be disruptive. In summary, the available evidence is currently insufficient to determine the role of this variant in disease. Therefore, it has been classified as a Variant of Uncertain Significance.

Ambry Genetics
Classification: Uncertain significance. Last evaluated: 2024-12-04. Review status: criteria provided, single submitter. Criteria: Ambry Variant Classification Scheme 2023. Collection method: clinical testing. Allele origin: germline.